The following is an entry in ClinVar:

ClinVar aggregate classification (germline): Uncertain significance. Review status: criteria provided, multiple submitters, no conflicts (2 of 4 stars). 2 submissions from 2 submitters: Uncertain significance (2). Last evaluated 2022-12-11.

Conditions:
Hereditary cancer-predisposing syndrome. Also called: Tumor predisposition; Neoplastic Syndromes, Hereditary; Hereditary Cancer Syndrome; Hereditary neoplastic syndrome. Identifiers: Orphanet 140162, MedGen C0027672, MeSH D009386, MONDO:0015356.
Ataxia-telangiectasia syndrome (AT). Also called: Cerebello-oculocutaneous telangiectasia; Immunodeficiency with ataxia telangiectasia; ATAXIA-TELANGIECTASIA, COMPLEMENTATION GROUP A; Ataxia-telangiectasia, complementation group D; AT, COMPLEMENTATION GROUP C; ATAXIA-TELANGIECTASIA, FRESNO VARIANT. Identifiers: Orphanet 100, MedGen C0004135, MONDO:0008840, OMIM 208900.

Submissions (2):

Labcorp Genetics (formerly Invitae), Labcorp
Classification: Uncertain significance for Ataxia-telangiectasia syndrome. Last evaluated: 2022-12-11. Review status: criteria provided, single submitter. Criteria: Invitae Variant Classification Sherloc (09022015). Collection method: clinical testing. Allele origin: germline.
Comment: In summary, the available evidence is currently insufficient to determine the role of this variant in disease. Therefore, it has been classified as a Variant of Uncertain Significance. Advanced modeling of protein sequence and biophysical properties (such as structural, functional, and spatial information, amino acid conservation, physicochemical variation, residue mobility, and thermodynamic stability) performed at Invitae indicates that this missense variant is not expected to disrupt ATM protein function. ClinVar contains an entry for this variant (Variation ID: 478981). This variant has not been reported in the literature in individuals affected with ATM-related conditions. This variant is not present in population databases (gnomAD no frequency). This sequence change replaces phenylalanine, which is neutral and non-polar, with leucine, which is neutral and non-polar, at codon 104 of the ATM protein (p.Phe104Leu).

Ambry Genetics
Classification: Uncertain significance for Hereditary cancer-predisposing syndrome. Last evaluated: 2016-05-05. Review status: criteria provided, single submitter. Criteria: Ambry Variant Classification Scheme 2023. Collection method: clinical testing. Allele origin: germline.
Comment: The p.F104L variant (also known as c.310T>C), located in coding exon 3 of the ATM gene, results from a T to C substitution at nucleotide position 310. The phenylalanine at codon 104 is replaced by leucine, an amino acid with highly similar properties. This variant was not reported in population based cohorts in the following databases: Database of Single Nucleotide Polymorphisms (dbSNP), NHLBI Exome Sequencing Project (ESP), and 1000 Genomes Project. In the ESP, this variant was not observed in 6499 samples (12998 alleles) with coverage at this position. To date, this alteration has been detected with an allele frequency of approximately 0.001% (greater than 125000 alleles tested) in our clinical cohort. This amino acid position is highly conserved in available vertebrate species. In addition, this alteration is predicted to be deleterious by in silico analysis. Since supporting evidence is limited at this time, the clinical significance of this alteration remains unclear.

NM_000051.4(ATM):c.310T>C (p.Phe104Leu)

Gene: ATM (ATM serine/threonine kinase; plus strand). Cytogenetic location: 11q22.3.
Variant type: single nucleotide variant.
Coding change: c.310T>C on transcript NM_000051.4 (MANE Select); coding-DNA position 310, T replaced by C.
Protein change: p.Phe104Leu; replaces phenylalanine 104 with leucine.
Molecular consequence: missense variant.
Genome position (GRCh38, 1-based): chr11:108,229,302, T>C. VCF-style: chr11-108229302-T-C. GRCh37 (hg19) VCF-style: chr11-108100029-T-C.
Other names: c.310T>C, p.Phe104Leu (NM_001351834.2, NM_001351835.2, NM_001351836.2); short protein forms F104L.
Identifiers: ClinVar variation 478981 (VCV000478981.8), dbSNP rs1555055306, ClinGen allele CA382521760.